The following is an entry in ClinVar:

ClinVar aggregate classification (germline): Pathogenic (1 of 4 stars; one submission).

Allele frequency attached by ClinVar (database versions not stated): gnomAD exomes below 0.00001; ExAC 0.00001.
gnomAD v4.1: 1 of 1,613,050 alleles (0.000062%); highest among the groups gnomAD compares: Admixed American, 0.0017%; no homozygotes.

Submission:

Labcorp Genetics (formerly Invitae), Labcorp
Classification: Pathogenic. Last evaluated: 2023-03-24. Review status: criteria provided, single submitter. Criteria: Invitae Variant Classification Sherloc (09022015). Collection method: clinical testing. Allele origin: germline.
Comment: This sequence change creates a premature translational stop signal (p.Trp248*) in the DONSON gene. It is expected to result in an absent or disrupted protein product. Loss-of-function variants in DONSON are known to be pathogenic (PMID: 28191891, 28630177). This variant is present in population databases (rs748118576, gnomAD 0.003%). This variant has not been reported in the literature in individuals affected with DONSON-related conditions. For these reasons, this variant has been classified as Pathogenic.

Literature cited by the submitters: PubMed 28191891; PubMed 28630177.

NM_017613.4(DONSON):c.744G>A (p.Trp248Ter)

Gene: DONSON (DNA replication fork stabilization factor DONSON; minus strand). Cytogenetic location: 21q22.11.
Variant type: single nucleotide variant.
Coding change: c.744G>A on transcript NM_017613.4 (MANE Select); coding-DNA position 744, G replaced by A.
Protein change: p.Trp248Ter; replaces tryptophan 248 with a stop codon.
Molecular consequence: nonsense.
Genome position (GRCh38, 1-based): chr21:33,584,631, C>T on the plus strand (G>A on the coding strand, the complement: DONSON is on the minus strand). VCF-style: chr21-33584631-C-T. GRCh37 (hg19) VCF-style: chr21-34956937-C-T.
Other names: short protein forms W248*.
Identifiers: ClinVar variation 2832713 (VCV002832713.3), dbSNP rs748118576, ClinGen allele CA10010525.